The following is an entry in ClinVar:

ClinVar aggregate classification (germline): Uncertain significance (1 of 4 stars; one submission).

gnomAD v4.1: 1 of 1,614,000 alleles (0.000062%); highest among the groups gnomAD compares: Non-Finnish European, 0.000085%; no homozygotes.

Submission:

Labcorp Genetics (formerly Invitae), Labcorp
Classification: Uncertain significance. Last evaluated: 2021-03-09. Review status: criteria provided, single submitter. Criteria: Invitae Variant Classification Sherloc (09022015). Collection method: clinical testing. Allele origin: germline.
Comment: In summary, the available evidence is currently insufficient to determine the role of this variant in disease. Therefore, it has been classified as a Variant of Uncertain Significance. This sequence change replaces lysine with glutamic acid at codon 3368 of the VCAN protein (p.Lys3368Glu). The lysine residue is highly conserved and there is a small physicochemical difference between lysine and glutamic acid. This variant is not present in population databases (ExAC no frequency). This variant has not been reported in the literature in individuals with VCAN-related conditions. Algorithms developed to predict the effect of missense changes on protein structure and function are either unavailable or do not agree on the potential impact of this missense change (SIFT: "Deleterious"; PolyPhen-2: "Benign"; Align-GVGD: "Class C0").

NM_004385.5(VCAN):c.10102A>G (p.Lys3368Glu)

Gene: VCAN (versican; plus strand). Cytogenetic location: 5q14.3.
Variant type: single nucleotide variant.
Coding change: c.10102A>G on transcript NM_004385.5 (MANE Select); coding-DNA position 10102, A replaced by G.
Protein change: p.Lys3368Glu; replaces lysine 3368 with glutamic acid.
Molecular consequence: missense variant.
Genome position (GRCh38, 1-based): chr5:83,580,345, A>G. VCF-style: chr5-83580345-A-G. GRCh37 (hg19) VCF-style: chr5-82876164-A-G.
Other names: c.1879A>G, p.Lys627Glu (NM_001126336.3); c.7141A>G, p.Lys2381Glu (NM_001164097.2); c.4840A>G, p.Lys1614Glu (NM_001164098.2); short protein forms K627E, K1614E, K2381E, K3368E.
Identifiers: ClinVar variation 1515321 (VCV001515321.8), dbSNP rs2112511308, ClinGen allele CA360302251.